The following is an entry in ClinVar:

ClinVar aggregate classification (germline): Uncertain significance (1 of 4 stars; one submission).

Conditions:
Leukocyte adhesion deficiency 1 (LAD1). Also called: LEUKOCYTE ADHESION DEFICIENCY, TYPE I; LAD 1; Lymphocyte function-associated antigen 1 immunodeficiency; LFA 1 immunodeficiency. Identifiers: Orphanet 2968, Orphanet 99842, MedGen C0398738, MONDO:0007293, OMIM 116920.

Submission:

Labcorp Genetics (formerly Invitae), Labcorp
Classification: Uncertain significance for Leukocyte adhesion deficiency 1. Last evaluated: 2023-09-01. Review status: criteria provided, single submitter. Criteria: Invitae Variant Classification Sherloc (09022015). Collection method: clinical testing. Allele origin: germline.
Comment: This sequence change replaces glutamine, which is neutral and polar, with arginine, which is basic and polar, at codon 88 of the ITGB2 protein (p.Gln88Arg). This variant is not present in population databases (gnomAD no frequency). This variant has not been reported in the literature in individuals affected with ITGB2-related conditions. Algorithms developed to predict the effect of missense changes on protein structure and function output the following: SIFT: "Not Available"; PolyPhen-2: "Benign"; Align-GVGD: "Not Available". The arginine amino acid residue is found in multiple mammalian species, which suggests that this missense change does not adversely affect protein function. In summary, the available evidence is currently insufficient to determine the role of this variant in disease. Therefore, it has been classified as a Variant of Uncertain Significance.

NM_000211.5(ITGB2):c.263A>G (p.Gln88Arg)

Gene: ITGB2 (integrin subunit beta 2; minus strand). Cytogenetic location: 21q22.3.
Variant type: single nucleotide variant.
Coding change: c.263A>G on transcript NM_000211.5 (MANE Select); coding-DNA position 263, A replaced by G.
Protein change: p.Gln88Arg; replaces glutamine 88 with arginine.
Molecular consequence: missense variant.
Genome position (GRCh38, 1-based): chr21:44,906,980, T>C on the plus strand (A>G on the coding strand, the complement: ITGB2 is on the minus strand). VCF-style: chr21-44906980-T-C. GRCh37 (hg19) VCF-style: chr21-46326895-T-C.
Other names: c.263A>G, p.Gln88Arg (NM_001127491.3); c.56A>G, p.Gln19Arg (NM_001303238.2); short protein forms Q19R, Q88R.
Identifiers: ClinVar variation 2817302 (VCV002817302.3), dbSNP rs1425177748, ClinGen allele CA410479616.